The following is an entry in ClinVar:

NM_003119.4(SPG7):c.1248G>A (p.Lys416=)

Gene: SPG7 (SPG7 matrix AAA peptidase subunit, paraplegin; plus strand). Cytogenetic location: 16q24.3.
Variant type: single nucleotide variant.
Coding change: c.1248G>A on transcript NM_003119.4 (MANE Select); coding-DNA position 1248, G replaced by A.
Protein change: p.Lys416=; no amino-acid change (lysine 416 retained).
Molecular consequence: synonymous variant.
Genome position (GRCh38, 1-based): chr16:89,532,560, G>A. VCF-style: chr16-89532560-G-A. GRCh37 (hg19) VCF-style: chr16-89598968-G-A.
Other names: c.1248G>A, p.Lys416= (NM_001363850.1, NM_199367.3).
Identifiers: ClinVar variation 1806845 (VCV001806845.7), dbSNP rs769916719, ClinGen allele CA8244009.

ClinVar aggregate classification (germline): Conflicting classifications of pathogenicity. Review status: criteria provided, conflicting classifications (1 of 4 stars). 3 submissions from 3 submitters: Uncertain significance (1); Likely benign (2). Last evaluated 2026-08-01.

Conditions:
Hereditary spastic paraplegia 7 (SPG7). Also called: Autosomal recessive spastic paraplegia type 7; Spastic paraplegia 7; Hereditary spastic paraplegia Paraplegin type; SPASTIC PARAPLEGIA 7, AUTOSOMAL RECESSIVE, WITH OR WITHOUT CEREBELLAR ATAXIA; SPG7-related neurologic disorder. Identifiers: Orphanet 99013, MedGen C1846564, MONDO:0011803, OMIM 607259.

Allele frequency attached by ClinVar (database versions not stated): gnomAD exomes 0.00003; ExAC 0.00006.
gnomAD v4.1: 37 of 1,613,762 alleles (0.0023%); highest among the groups gnomAD compares: South Asian, 0.038%; no homozygotes.

Submissions (3):

CeGaT Center for Human Genetics Tuebingen
Classification: Likely benign. Last evaluated: 2026-08-01. Review status: criteria provided, single submitter. Criteria: CeGaT Center For Human Genetics Tuebingen Variant Classification Criteria Version 2. Collection method: clinical testing. Allele origin: germline. Affected: yes. Observed: 1 variant allele.
Comment: SPG7: BP4, BP7

Labcorp Genetics (formerly Invitae), Labcorp
Classification: Likely benign for Hereditary spastic paraplegia 7. Last evaluated: 2025-12-03. Review status: criteria provided, single submitter. Criteria: Invitae Variant Classification Sherloc (09022015). Collection method: clinical testing. Allele origin: germline.

Athena Diagnostics
Classification: Uncertain significance. Last evaluated: 2022-07-21. Review status: criteria provided, single submitter. Criteria: Athena Diagnostics Criteria. Collection method: clinical testing. Allele origin: unknown.